The following is an entry in ClinVar:

ClinVar aggregate classification (germline): Uncertain significance. Review status: criteria provided, multiple submitters, no conflicts (2 of 4 stars). 3 submissions from 3 submitters: Uncertain significance (3). Last evaluated 2024-03-06.

Conditions:
Hereditary cancer-predisposing syndrome. Also called: Neoplastic Syndromes, Hereditary; Hereditary Cancer Syndrome; Tumor predisposition; Hereditary neoplastic syndrome. Identifiers: Orphanet 140162, MedGen C0027672, MeSH D009386, MONDO:0015356.

Submissions (3):

Color Diagnostics, LLC DBA Color Health
Classification: Uncertain significance for Hereditary cancer-predisposing syndrome. Last evaluated: 2024-03-06. Review status: criteria provided, single submitter. Criteria: ACMG Guidelines, 2015. Collection method: clinical testing. Allele origin: germline.
Comment: This missense variant replaces isoleucine with valine at codon 2920 of the ATM protein. Computational prediction suggests that this variant may not impact protein structure and function (internally defined REVEL score threshold <= 0.5, PMID: 27666373). To our knowledge, functional studies have not been reported for this variant. This variant has not been reported in individuals affected with hereditary cancer in the literature. This variant has not been identified in the general population by the Genome Aggregation Database (gnomAD). The available evidence is insufficient to determine the role of this variant in disease conclusively. Therefore, this variant is classified as a Variant of Uncertain Significance.

GeneDx
Classification: Uncertain significance. Last evaluated: 2019-05-03. Review status: criteria provided, single submitter. Criteria: GeneDx Variant Classification Process June 2021. Collection method: clinical testing. Allele origin: germline. Affected: yes.
Comment: Has not been previously published as pathogenic or benign to our knowledge

Ambry Genetics
Classification: Uncertain significance for Hereditary cancer-predisposing syndrome. Last evaluated: 2019-02-12. Review status: criteria provided, single submitter. Criteria: Ambry Variant Classification Scheme 2023. Collection method: clinical testing. Allele origin: germline.
Comment: The p.I2920V variant (also known as c.8758A>G), located in coding exon 59 of the ATM gene, results from an A to G substitution at nucleotide position 8758. The isoleucine at codon 2920 is replaced by valine, an amino acid with highly similar properties. This amino acid position is highly conserved in available vertebrate species. In addition, this alteration is predicted to be tolerated by in silico analysis. Since supporting evidence is limited at this time, the clinical significance of this alteration remains unclear.

NM_000051.4(ATM):c.8758A>G (p.Ile2920Val)

Genes: ATM (ATM serine/threonine kinase; plus strand), C11orf65 (chromosome 11 open reading frame 65; minus strand). Cytogenetic location: 11q22.3.
Variant type: single nucleotide variant.
Coding change: c.8758A>G on transcript NM_000051.4 (MANE Select); coding-DNA position 8758, A replaced by G.
Protein change: p.Ile2920Val; replaces isoleucine 2920 with valine.
Molecular consequence: missense variant. On other transcripts: intron variant (2).
Genome position (GRCh38, 1-based): chr11:108,353,852, A>G. VCF-style: chr11-108353852-A-G. GRCh37 (hg19) VCF-style: chr11-108224579-A-G.
Other names: c.8758A>G, p.Ile2920Val (NM_001351834.2); c.640+32068T>C (NM_001330368.2); c.695-18560T>C (NM_001351110.2); short protein forms I2920V.
Identifiers: ClinVar variation 481338 (VCV000481338.10), dbSNP rs1555142880, ClinGen allele CA382524129.